The following is an entry in ClinVar:

NM_032043.3(BRIP1):c.1455T>C (p.Ala485=)

Gene: BRIP1 (BRCA1 interacting DNA helicase 1; minus strand). Cytogenetic location: 17q23.2.
Variant type: single nucleotide variant.
Coding change: c.1455T>C on transcript NM_032043.3 (MANE Select); coding-DNA position 1455, T replaced by C.
Protein change: p.Ala485=; no amino-acid change (alanine 485 retained).
Molecular consequence: synonymous variant.
Genome position (GRCh38, 1-based): chr17:61,793,615, A>G on the plus strand (T>C on the coding strand, the complement: BRIP1 is on the minus strand). VCF-style: chr17-61793615-A-G. GRCh37 (hg19) VCF-style: chr17-59870976-A-G.
Identifiers: ClinVar variation 230186 (VCV000230186.36), dbSNP rs773489367, ClinGen allele CA8690740.
Genomic context (GRCh38, chr17:61,793,615, plus strand): 5'-TAATTCACTAAATACGTTTCACAGGTAGAAAAAATATCTTACCTGCAAAATGGGAAAAGT[A>G]GCAGTGGTGATACCCATTTTGTGTAAAGTTAAGAGCATTTCATTTCCACTCCATATTTTA-3'
Protein context (NP_114432.2, residues 475-495): LTLHKMGITT[Ala485=]TFPILQGHFS

ClinVar aggregate classification (germline): Benign/Likely benign. Review status: criteria provided, multiple submitters, no conflicts (2 of 4 stars). 15 submissions from 14 submitters: Benign (2); Likely benign (9). 4 of the submissions do not count toward it. Last evaluated 2026-01-20.

Conditions:
Familial ovarian cancer. Identifiers: MedGen C5679802, MONDO:0016248.
BRIP1-related disorder. Also called: BRIP1-related condition; BRIP1-related disorders. Identifiers: MedGen CN239206.
Hereditary cancer-predisposing syndrome. Also called: Neoplastic Syndromes, Hereditary; Hereditary neoplastic syndrome; Hereditary Cancer Syndrome; Tumor predisposition. Identifiers: Orphanet 140162, MedGen C0027672, MeSH D009386, MONDO:0015356.
Ovarian cancer. Also called: OVARIAN CANCER, SOMATIC. Identifiers: Orphanet 213500, MedGen C1140680, MONDO:0008170, OMIM 167000.
Familial cancer of breast. Also called: hereditary breast carcinoma; Hereditary breast cancer; BREAST CANCER, FAMILIAL. Identifiers: Orphanet 227535, MedGen C0346153, MONDO:0016419, OMIM 114480. Disease mechanism: loss of function.
Fanconi anemia complementation group J. Also called: BRIP1-Related Fanconi Anemia. Identifiers: Orphanet 84, MedGen C1836860, MONDO:0012187, OMIM 609054.

Allele frequency attached by ClinVar (database versions not stated): gnomAD 0.00001 and 0.00002; TOPMed 0.00001; ExAC 0.00004; gnomAD exomes 0.00004.
gnomAD v4.1: 56 of 1,607,150 alleles (0.0035%); highest among the groups gnomAD compares: South Asian, 0.016%; 1 homozygote.

Submissions (15):

Labcorp Genetics (formerly Invitae), Labcorp
Classification: Likely benign for Familial cancer of breast; Fanconi anemia complementation group J. Last evaluated: 2026-01-20. Review status: criteria provided, single submitter. Criteria: Invitae Variant Classification Sherloc (09022015). Collection method: clinical testing. Allele origin: germline.

Center for Genomic Medicine, Rigshospitalet, Copenhagen University Hospital
Classification: Likely benign. Last evaluated: 2025-03-04. Review status: criteria provided, single submitter. Criteria: ACMG Guidelines, 2015. Collection method: clinical testing. Allele origin: germline.

Blueprint Genetics
Classification: Likely benign. Last evaluated: 2024-10-23. Review status: criteria provided, single submitter. Criteria: ACMG Guidelines, 2015. Collection method: clinical testing. Allele origin: germline.

Quest Diagnostics Nichols Institute San Juan Capistrano
Classification: Likely benign. Last evaluated: 2023-07-27. Review status: criteria provided, single submitter. Criteria: Quest Diagnostics criteria. Collection method: clinical testing. Allele origin: unknown.

Myriad Genetics, Inc.
Classification: Benign for Familial cancer of breast. Last evaluated: 2023-02-27. Review status: criteria provided, single submitter. Criteria: Myriad Autosomal Dominant, Autosomal Recessive and X-Linked Classification Criteria (2023). Collection method: clinical testing. Allele origin: unknown.
Comment: This variant is considered benign. This variant is a silent/synonymous amino acid change and it is not expected to impact splicing.

Sema4
Classification: Likely benign for Hereditary cancer-predisposing syndrome. Last evaluated: 2021-07-08. Review status: criteria provided, single submitter. Criteria: Sema4 Curation Guidelines. Collection method: curation. Allele origin: germline.

Women's Health and Genetics/Laboratory Corporation of America, LabCorp
Classification: Likely benign. Last evaluated: 2019-08-21. Review status: criteria provided, single submitter. Criteria: LabCorp Variant Classification Summary - May 2015. Collection method: clinical testing. Allele origin: germline.

Mendelics
Classification: Likely benign for Familial cancer of breast. Last evaluated: 2019-05-28. Review status: criteria provided, single submitter. Criteria: Mendelics Assertion Criteria 2017. Collection method: clinical testing. Allele origin: unknown.

Color Diagnostics, LLC DBA Color Health
Classification: Likely benign for Hereditary cancer-predisposing syndrome. Last evaluated: 2017-03-20. Review status: criteria provided, single submitter. Criteria: ACMG Guidelines, 2015. Collection method: clinical testing. Allele origin: germline.

GeneDx
Classification: Benign. Last evaluated: 2015-03-03. Review status: criteria provided, single submitter. Criteria: GeneDx Variant Classification Process June 2021. Collection method: clinical testing. Allele origin: germline. Affected: yes.

Ambry Genetics
Classification: Likely benign for Hereditary cancer-predisposing syndrome. Last evaluated: 2015-01-19. Review status: criteria provided, single submitter. Criteria: Ambry Variant Classification Scheme 2023. Collection method: clinical testing. Allele origin: germline.

PreventionGenetics, part of Exact Sciences
Classification: Likely benign for BRIP1-related condition. Last evaluated: 2019-05-22. Review status: no assertion criteria provided. Collection method: clinical testing. Allele origin: germline. Not counted in ClinVar's aggregate classification.
Comment: This variant is classified as likely benign based on ACMG/AMP sequence variant interpretation guidelines (Richards et al. 2015 PMID: 25741868, with internal and published modifications).

Counsyl
Classification: Likely benign for Fanconi anemia complementation group J. Last evaluated: 2016-08-22. Review status: no assertion criteria provided. Collection method: clinical testing. Allele origin: unknown. Not counted in ClinVar's aggregate classification.

Counsyl
Classification: Likely benign for Ovarian cancer. Last evaluated: 2016-08-22. Review status: no assertion criteria provided. Collection method: clinical testing. Allele origin: unknown. Not counted in ClinVar's aggregate classification.

Department of Pathology and Laboratory Medicine, Sinai Health System
Classification: Likely benign for Familial ovarian cancer. Review status: no assertion criteria provided. Collection method: clinical testing. Allele origin: unknown. Affected: yes. Study: The Canadian Open Genetics Repository (COGR). Not counted in ClinVar's aggregate classification.
Comment: The BRIP1 p.Ala485= variant was identified in 1 of 380 proband chromosomes (frequency: 0.003) from individuals or families with (Akbari 2011). The variant was also identified in dbSNP (ID: rs773489367) as â€šÃ„ÃºWith Likely benign alleleâ€šÃ„Ã¹, and in ClinVar (classified as likely benign by Ambry Genetics, Invitae, Counsyl, Color Genomics; as uncertain significance by Integrated Genetics/Laboratory Corporation of America). The variant was not identified in Cosmic, or the Zhejiang University databases. The variant was identified in control databases in 9 of 237340 chromosomes at a frequency of 0.00004 (Genome Aggregation Database Feb 27, 2017). It was observed in the following populations: European in 6 of 106588 chromosomes (freq: 0.0001), and South Asian in 3 of 29714 chromosomes (freq: 0.0001), but not in the African, Other, Latino, Ashkenazi Jewish, East Asian, and Finnish populations. The p.Ala485= variant is not expected to have clinical significance because it does not result in a change of amino acid and is not located in a known consensus splice site. In addition, in silico or computational prediction software programs (SpliceSiteFinder, MaxEntScan, NNSPLICE, GeneSplicer, HumanSpliceFinder) do not predict a difference in splicing. In summary, based on the above information the clinical significance of this variant cannot be determined with certainty at this time although we would lean towards a more benign role for this variant. This variant is classified as likely benign.

Literature cited by the submitters: PubMed 21279724 (cited by Quest Diagnostics Nichols Institute San Juan Capistrano and Counsyl).